The following is an entry in ClinVar:

NM_004006.3(DMD):c.2209C>T (p.Arg737Cys)

Gene: DMD (dystrophin; minus strand). Cytogenetic location: Xp21.1.
Variant type: single nucleotide variant.
Coding change: c.2209C>T on transcript NM_004006.3 (MANE Select); coding-DNA position 2209, C replaced by T.
Protein change: p.Arg737Cys; replaces arginine 737 with cysteine.
Molecular consequence: missense variant.
Genome position (GRCh38, 1-based): chrX:32,518,091, G>A on the plus strand (C>T on the coding strand, the complement: DMD is on the minus strand). VCF-style: chrX-32518091-G-A. GRCh37 (hg19) VCF-style: chrX-32536208-G-A.
Other names: c.2185C>T, p.Arg729Cys (NM_000109.4); c.2197C>T, p.Arg733Cys (NM_004009.3); c.1840C>T, p.Arg614Cys (NM_004010.3); short protein forms R733C, R729C, R614C, R737C.
Identifiers: ClinVar variation 663012 (VCV000663012.10), dbSNP rs762960280, ClinGen allele CA10379601.

ClinVar aggregate classification (germline): Conflicting classifications of pathogenicity. Review status: criteria provided, conflicting classifications (1 of 4 stars). 3 submissions from 3 submitters: Uncertain significance (1); Likely benign (1). 1 of the submissions does not count toward it. Last evaluated 2026-01-21.

Conditions:
Cardiovascular phenotype. Identifiers: MedGen CN230736.
Duchenne muscular dystrophy (DMD). Also called: MUSCULAR DYSTROPHY, PSEUDOHYPERTROPHIC PROGRESSIVE, DUCHENNE TYPE; Duchenne Muscular Dystrophy (DMD). Identifiers: Orphanet 98896, MedGen C0013264, MONDO:0010679, OMIM 310200.
Dystrophin deficiency.
Becker muscular dystrophy (BMD). Also called: MUSCULAR DYSTROPHY, PSEUDOHYPERTROPHIC PROGRESSIVE, BECKER TYPE; Becker Muscular Dystrophy (BMD). Identifiers: Orphanet 98895, MedGen C0917713, MONDO:0010311, OMIM 300376.
Cardiomyopathy (CMYO). Also called: Cardiomyopathies. Identifiers: Orphanet 167848, MedGen C0878544, MONDO:0004994, HP:0001638. Inheritance: Various modes of inheritance.

Allele frequency attached by ClinVar (database versions not stated): gnomAD 0.00005 and 0.00006; TOPMed 0.00005.
gnomAD v4.1: 12 of 1,207,649 alleles (0.00099%); highest among the groups gnomAD compares: African/African-American, 0.016%; no homozygotes.

Submissions (3):

Labcorp Genetics (formerly Invitae), Labcorp
Classification: Likely benign for Duchenne muscular dystrophy. Last evaluated: 2026-01-21. Review status: criteria provided, single submitter. Criteria: Invitae Variant Classification Sherloc (09022015). Collection method: clinical testing. Allele origin: germline.

Ambry Genetics
Classification: Uncertain significance for Cardiovascular phenotype. Last evaluated: 2025-02-17. Review status: criteria provided, single submitter. Criteria: Ambry Variant Classification Scheme 2023. Collection method: clinical testing. Allele origin: germline.
Comment: The p.R737C variant (also known as c.2209C>T), located in coding exon 18 of the DMD gene, results from a C to T substitution at nucleotide position 2209. The arginine at codon 737 is replaced by cysteine, an amino acid with highly dissimilar properties. Based on data from gnomAD, the T allele has an overall frequency of 0.002% (5/204648) total alleles studied, with 2 hemizygotes observed. The highest observed frequency was 0.03% (5/19031) of African/African-American alleles. This amino acid position is highly conserved in available vertebrate species. In addition, the in silico prediction for this alteration is inconclusive. Since supporting evidence is limited at this time, the clinical significance of this alteration remains unclear.

Natera, Inc.
Classification: Uncertain significance for Becker muscular dystrophy; Cardiomyopathy; Duchenne muscular dystrophy; Dystrophin deficiency. Last evaluated: 2018-07-08. Review status: no assertion criteria provided. Collection method: clinical testing. Allele origin: germline. Not counted in ClinVar's aggregate classification.